The following is an entry in ClinVar:

ClinVar aggregate classification (germline): Uncertain significance (1 of 4 stars; one submission).

Conditions:
Cardiovascular phenotype. Identifiers: MedGen CN230736.

Submission:

Ambry Genetics
Classification: Uncertain significance for Cardiovascular phenotype. Last evaluated: 2026-07-24. Review status: criteria provided, single submitter. Criteria: Ambry Variant Classification Scheme 2023. Collection method: clinical testing. Allele origin: germline.
Comment: The p.R998K variant (also known as c.2993G>A), located in coding exon 1 of the ZNF469 gene, results from a G to A substitution at nucleotide position 2993. The arginine at codon 998 is replaced by lysine, an amino acid with highly similar properties. This amino acid position is conserved. In addition, this alteration is predicted to be tolerated by in silico analysis. Based on the available evidence, the clinical significance of this variant remains unclear.

NM_001367624.2(ZNF469):c.2993G>A (p.Arg998Lys)

Gene: ZNF469 (zinc finger protein 469; plus strand). Cytogenetic location: 16q24.2.
Variant type: single nucleotide variant.
Coding change: c.2993G>A on transcript NM_001367624.2 (MANE Select); coding-DNA position 2993, G replaced by A.
Protein change: p.Arg998Lys; replaces arginine 998 with lysine.
Molecular consequence: missense variant.
Genome position (GRCh38, 1-based): chr16:88,430,463, G>A. VCF-style: chr16-88430463-G-A. GRCh37 (hg19) VCF-style: chr16-88496871-G-A.
Other names: NM_001127464.1:c.2993G>A; short protein forms R998K.
Identifiers: ClinVar variation 5032231 (VCV005032231.1).